The following is an entry in ClinVar:

ClinVar aggregate classification (germline): Uncertain significance. Review status: criteria provided, multiple submitters, no conflicts (2 of 4 stars). 2 submissions from 2 submitters: Uncertain significance (2). Last evaluated 2025-10-02.

Conditions:
MYH14-related disorder. Also called: MYH14-related condition.

Allele frequency attached by ClinVar (database versions not stated): gnomAD 0.00002 and 0.00003; gnomAD exomes 0.00004; TOPMed 0.00006.
gnomAD v4.1: 140 of 1,576,702 alleles (0.0089%); highest among the groups gnomAD compares: South Asian, 0.015%; 1 homozygote.

Submissions (2):

Labcorp Genetics (formerly Invitae), Labcorp
Classification: Uncertain significance. Last evaluated: 2025-10-02. Review status: criteria provided, single submitter. Criteria: Invitae Variant Classification Sherloc (09022015). Collection method: clinical testing. Allele origin: germline.
Comment: This sequence change replaces arginine, which is basic and polar, with tryptophan, which is neutral and slightly polar, at codon 1626 of the MYH14 protein (p.Arg1626Trp). This variant is present in population databases (rs763195171, gnomAD 0.02%), including at least one homozygous and/or hemizygous individual. This variant has not been reported in the literature in individuals affected with MYH14-related conditions. ClinVar contains an entry for this variant (Variation ID: 1463710). Invitae Evidence Modeling of protein sequence and biophysical properties (such as structural, functional, and spatial information, amino acid conservation, physicochemical variation, residue mobility, and thermodynamic stability) indicates that this missense variant is expected to disrupt MYH14 protein function with a positive predictive value of 80%. In summary, the available evidence is currently insufficient to determine the role of this variant in disease. Therefore, it has been classified as a Variant of Uncertain Significance.

PreventionGenetics, part of Exact Sciences
Classification: Uncertain significance for MYH14-related condition. Last evaluated: 2025-02-11. Review status: criteria provided, single submitter. Criteria: ACMG Guidelines, 2015. Collection method: clinical testing. Allele origin: germline.
Comment: The MYH14 c.4999C>T variant is predicted to result in the amino acid substitution p.Arg1667Trp. To our knowledge, this variant has not been reported in the literature. This variant is reported in 0.016% of alleles in individuals of South Asian descent in gnomAD. Although we suspect that this variant may be benign, at this time, the clinical significance of this variant is uncertain due to the absence of conclusive functional and genetic evidence.

NM_001145809.2(MYH14):c.4999C>T (p.Arg1667Trp)

Gene: MYH14 (myosin heavy chain 14; plus strand). Cytogenetic location: 19q13.33.
Variant type: single nucleotide variant.
Coding change: c.4999C>T on transcript NM_001145809.2 (MANE Select); coding-DNA position 4999, C replaced by T.
Protein change: p.Arg1667Trp; replaces arginine 1667 with tryptophan.
Molecular consequence: missense variant.
Genome position (GRCh38, 1-based): chr19:50,290,920, C>T. VCF-style: chr19-50290920-C-T. GRCh37 (hg19) VCF-style: chr19-50794177-C-T.
Other names: c.4999C>T (NM_001145809.1); c.4900C>T, p.Arg1634Trp (NM_001077186.2); c.4876C>T, p.Arg1626Trp (NM_024729.4); short protein forms R1634W, R1626W, R1667W.
Identifiers: ClinVar variation 1463710 (VCV001463710.9), dbSNP rs763195171, ClinGen allele CA9593661.